The following is an entry in ClinVar:

NM_031924.8(RSPH3):c.781C>T (p.Arg261Cys)

Gene: RSPH3 (radial spoke head 3; minus strand). Cytogenetic location: 6q25.3.
Variant type: single nucleotide variant.
Coding change: c.781C>T on transcript NM_031924.8 (MANE Select); coding-DNA position 781, C replaced by T.
Protein change: p.Arg261Cys; replaces arginine 261 with cysteine.
Molecular consequence: missense variant. On other transcripts: non-coding transcript variant (1).
Genome position (GRCh38, 1-based): chr6:158,980,852, G>A on the plus strand (C>T on the coding strand, the complement: RSPH3 is on the minus strand). VCF-style: chr6-158980852-G-A. GRCh37 (hg19) VCF-style: chr6-159401884-G-A.
Other names: c.919C>T, p.Arg307Cys (NM_001346418.1); short protein forms R261C, R307C.
Identifiers: ClinVar variation 1056691 (VCV001056691.9), dbSNP rs755422448, ClinGen allele CA4075815.

ClinVar aggregate classification (germline): Uncertain significance. Review status: criteria provided, multiple submitters, no conflicts (2 of 4 stars). 2 submissions from 2 submitters: Uncertain significance (2). Last evaluated 2025-09-10.

Conditions:
Primary ciliary dyskinesia 32. Also called: CILIARY DYSKINESIA, PRIMARY, 32, WITHOUT SITUS INVERSUS. Identifiers: Orphanet 244, MedGen C4225311, MONDO:0014657, OMIM 616481.

Allele frequency attached by ClinVar (database versions not stated): gnomAD exomes below 0.00001 and 0.00001; ExAC 0.00001; TOPMed 0.00001.

Submissions (2):

Genomic Medicine Center of Excellence, King Faisal Specialist Hospital and Research Centre
Classification: Uncertain significance for Primary ciliary dyskinesia 32. Last evaluated: 2025-09-10. Review status: criteria provided, single submitter. Criteria: ACMG Guidelines, 2015. Collection method: clinical testing. Allele origin: germline.

Labcorp Genetics (formerly Invitae), Labcorp
Classification: Uncertain significance for Primary ciliary dyskinesia 32. Last evaluated: 2025-03-05. Review status: criteria provided, single submitter. Criteria: Invitae Variant Classification Sherloc (09022015). Collection method: clinical testing. Allele origin: germline.
Comment: This sequence change replaces arginine, which is basic and polar, with cysteine, which is neutral and slightly polar, at codon 403 of the RSPH3 protein (p.Arg403Cys). This variant is present in population databases (rs755422448, gnomAD 0.0009%). This variant has not been reported in the literature in individuals affected with RSPH3-related conditions. ClinVar contains an entry for this variant (Variation ID: 1056691). An algorithm developed to predict the effect of missense changes on protein structure and function (PolyPhen-2) suggests that this variant is likely to be disruptive. In summary, the available evidence is currently insufficient to determine the role of this variant in disease. Therefore, it has been classified as a Variant of Uncertain Significance.